The following is an entry in ClinVar:

NM_025099.6(CTC1):c.2154T>A (p.Asp718Glu)

Gene: CTC1 (CST telomere replication complex component 1; minus strand). Cytogenetic location: 17p13.1.
Variant type: single nucleotide variant.
Coding change: c.2154T>A on transcript NM_025099.6 (MANE Select); coding-DNA position 2154, T replaced by A.
Protein change: p.Asp718Glu; replaces aspartic acid 718 with glutamic acid.
Molecular consequence: missense variant. On other transcripts: non-coding transcript variant (1).
Genome position (GRCh38, 1-based): chr17:8,232,134, A>T on the plus strand (T>A on the coding strand, the complement: CTC1 is on the minus strand). VCF-style: chr17-8232134-A-T. GRCh37 (hg19) VCF-style: chr17-8135452-A-T.
Other names: p.Asp718Glu; short protein forms D718E.
Identifiers: ClinVar variation 412529 (VCV000412529.23), dbSNP rs62637610, ClinGen allele CA8372153.

ClinVar aggregate classification (germline): Benign/Likely benign. Review status: criteria provided, multiple submitters, no conflicts (2 of 4 stars). 8 submissions from 8 submitters: Benign (4); Likely benign (4). Last evaluated 2026-01-28.

Conditions:
Dyskeratosis congenita. Identifiers: Orphanet 1775, MedGen C0265965, MONDO:0015780.
Cerebroretinal microangiopathy with calcifications and cysts 1 (CRMCC1). Identifiers: Orphanet 313838, MedGen C4552029, MONDO:0024564, OMIM 612199.

Allele frequency attached by ClinVar (database versions not stated): gnomAD exomes 0.00087 and 0.00288; ExAC 0.00324; gnomAD 0.00894 and 0.00947; 1000 Genomes Project 0.00919; 1000 Genomes Project 30x 0.00921; ESP Exome Variant Server 0.00967; TOPMed 0.01046.

Submissions (8):

Labcorp Genetics (formerly Invitae), Labcorp
Classification: Benign for Dyskeratosis congenita. Last evaluated: 2026-01-28. Review status: criteria provided, single submitter. Criteria: Invitae Variant Classification Sherloc (09022015). Collection method: clinical testing. Allele origin: germline.

ARUP Laboratories, Molecular Genetics and Genomics, ARUP Laboratories
Classification: Likely benign for Cerebroretinal microangiopathy with calcifications and cysts 1. Last evaluated: 2024-02-05. Review status: criteria provided, single submitter. Criteria: ARUP Molecular Germline Variant Investigation Process 2024. Collection method: clinical testing. Allele origin: germline.

Mayo Clinic Laboratories, Mayo Clinic
Classification: Benign. Last evaluated: 2023-02-13. Review status: criteria provided, single submitter. Criteria: ACMG Guidelines, 2015. Collection method: clinical testing. Allele origin: germline. Observed: 9 variant alleles.
Comment: BS1, BS2, BP4

Genome-Nilou Lab
Classification: Benign for Cerebroretinal microangiopathy with calcifications and cysts 1. Last evaluated: 2021-07-15. Review status: criteria provided, single submitter. Criteria: ACMG Guidelines, 2015. Collection method: clinical testing. Allele origin: germline. Affected: no.

Genetic Services Laboratory, University of Chicago
Classification: Benign. Last evaluated: 2021-06-18. Review status: criteria provided, single submitter. Criteria: ACMG Guidelines, 2015. Collection method: clinical testing. Allele origin: germline. Affected: no.

GeneDx
Classification: Likely benign. Last evaluated: 2021-04-08. Review status: criteria provided, single submitter. Criteria: GeneDx Variant Classification Process June 2021. Collection method: clinical testing. Allele origin: germline. Affected: yes.

Johns Hopkins Genomics, Johns Hopkins University
Classification: Likely benign for Cerebroretinal microangiopathy with calcifications and cysts 1. Last evaluated: 2019-02-13. Review status: criteria provided, single submitter. Criteria: ACMG Guidelines, 2015. Collection method: clinical testing. Allele origin: germline.

Breakthrough Genomics
Classification: Likely benign. Review status: criteria provided, single submitter. Criteria: ACMG Guidelines, 2015. Collection method: not provided. Allele origin: germline. Inheritance: Autosomal recessive inheritance. Affected: yes.